The following is an entry in ClinVar:

ClinVar aggregate classification (germline): Uncertain significance (1 of 4 stars; one submission).

Allele frequency attached by ClinVar (database versions not stated): gnomAD exomes below 0.00001; TOPMed 0.00001.
gnomAD v4.1: 1 of 1,557,314 alleles (0.000064%); highest among the groups gnomAD compares: East Asian, 0.0023%; no homozygotes.

Submission:

CeGaT Center for Human Genetics Tuebingen
Classification: Uncertain significance. Last evaluated: 2022-05-01. Review status: criteria provided, single submitter. Criteria: CeGaT Center For Human Genetics Tuebingen Variant Classification Criteria Version 2. Collection method: clinical testing. Allele origin: germline. Affected: yes. Observed: 1 variant allele.
Comment: MAPK8IP3: PM2

NM_001318852.2(MAPK8IP3):c.1678C>T (p.Arg560Ter)

Gene: MAPK8IP3 (mitogen-activated protein kinase 8 interacting protein 3; plus strand). Cytogenetic location: 16p13.3.
Variant type: single nucleotide variant.
Coding change: c.1678C>T on transcript NM_001318852.2 (MANE Select); coding-DNA position 1678, C replaced by T.
Protein change: p.Arg560Ter; replaces arginine 560 with a stop codon.
Molecular consequence: nonsense.
Genome position (GRCh38, 1-based): chr16:1,762,682, C>T. VCF-style: chr16-1762682-C-T. GRCh37 (hg19) VCF-style: chr16-1812683-C-T.
Other names: c.1657C>T, p.Arg553Ter (NM_001040439.2); c.1675C>T, p.Arg559Ter (NM_015133.5); short protein forms R553*, R559*, R560*.
Identifiers: ClinVar variation 1694771 (VCV001694771.31), dbSNP rs759916548, ClinGen allele CA276717852.